The following is an entry in ClinVar:

ClinVar aggregate classification (germline): Uncertain significance (1 of 4 stars; one submission).

Submission:

GeneDx
Classification: Uncertain significance. Last evaluated: 2024-07-02. Review status: criteria provided, single submitter. Criteria: GeneDx Variant Classification Process June 2021. Collection method: clinical testing. Allele origin: germline. Affected: yes.
Comment: Not observed at significant frequency in large population cohorts (gnomAD); In silico analysis supports that this missense variant has a deleterious effect on protein structure/function; Has not been previously published as pathogenic or benign to our knowledge

NM_006035.4(CDC42BPB):c.146A>T (p.Asp49Val)

Gene: CDC42BPB (CDC42 binding protein kinase beta; minus strand). Cytogenetic location: 14q32.32.
Variant type: single nucleotide variant.
Coding change: c.146A>T on transcript NM_006035.4 (MANE Select); coding-DNA position 146, A replaced by T.
Protein change: p.Asp49Val; replaces aspartic acid 49 with valine.
Molecular consequence: missense variant.
Genome position (GRCh38, 1-based): chr14:103,057,028, T>A on the plus strand (A>T on the coding strand, the complement: CDC42BPB is on the minus strand). VCF-style: chr14-103057028-T-A. GRCh37 (hg19) VCF-style: chr14-103523365-T-A.
Other names: c.146A>T, p.Asp49Val (NM_001411054.1); short protein forms D49V.
Identifiers: ClinVar variation 3393567 (VCV003393567.1).